The following is an entry in ClinVar:

ClinVar aggregate classification (germline): Conflicting classifications of pathogenicity. Review status: criteria provided, conflicting classifications (1 of 4 stars). 4 submissions from 4 submitters: Uncertain significance (3); Likely benign (1). Last evaluated 2026-01-20.

Conditions:
POLD1-related polyposis and colorectal cancer syndrome (CRCS10). Also called: Colorectal cancer 10; COLORECTAL CANCER, SUSCEPTIBILITY TO, ON CHROMOSOME 19q; Colorectal cancer, susceptibility to, 10. Identifiers: Orphanet 220460, MedGen C2675481, MONDO:0012953, OMIM 612591.

Submissions (4):

Labcorp Genetics (formerly Invitae), Labcorp
Classification: Likely benign for POLD1-related polyposis and colorectal cancer syndrome. Last evaluated: 2026-01-20. Review status: criteria provided, single submitter. Criteria: Invitae Variant Classification Sherloc (09022015). Collection method: clinical testing. Allele origin: germline.

ARUP Laboratories, Molecular Genetics and Genomics, ARUP Laboratories
Classification: Uncertain significance. Last evaluated: 2025-05-28. Review status: criteria provided, single submitter. Criteria: ARUP Molecular Germline Variant Investigation Process 2024. Collection method: clinical testing. Allele origin: germline.
Comment: The POLD1 c.1495-15_1495-14delinsGA variant (rs1064794332), to our knowledge, is not reported in the medical literature but is reported in ClinVar (Variation ID: 420183). This variant is absent from the Genome Aggregation Database (v2.1.1), indicating it is not a common polymorphism. This is an intronic variant and computational analyses (Alamut Visual Plus v.1.12) predict that this variant may impact splicing by weakening the nearby canonical acceptor splice site. Due to limited information, the clinical significance of this variant is uncertain at this time.

GeneDx
Classification: Uncertain significance. Last evaluated: 2024-05-08. Review status: criteria provided, single submitter. Criteria: GeneDx Variant Classification Process June 2021. Collection method: clinical testing. Allele origin: germline. Affected: yes.
Comment: Not observed at significant frequency in large population cohorts (gnomAD); Has not been previously published as pathogenic or benign to our knowledge; In silico analysis is inconclusive as to whether the variant alters gene splicing. In the absence of RNA/functional studies, the actual effect of this sequence change is unknown.

PreventionGenetics, part of Exact Sciences
Classification: Uncertain significance. Last evaluated: 2017-10-27. Review status: criteria provided, single submitter. Criteria: ACMG Guidelines, 2015. Collection method: clinical testing. Allele origin: germline.

NM_002691.4(POLD1):c.1495-15_1495-14delinsGA

Gene: POLD1 (DNA polymerase delta 1, catalytic subunit; plus strand). Cytogenetic location: 19q13.33.
Variant type: Indel.
Coding change: c.1495-15_1495-14delinsGA on transcript NM_002691.4 (MANE Select); 15 bases into the intron before coding-DNA position 1495 through 14 bases into the intron before coding-DNA position 1495, CG replaced by GA.
Molecular consequence: intron variant.
Genome position (GRCh38, 1-based): chr19:50,406,968-50,406,969, CG replaced by GA. VCF-style: chr19-50406968-CG-GA. GRCh37 (hg19) VCF-style: chr19-50910225-CG-GA.
Other names: c.1495-15_1495-14delinsGA (LRG_785t2, LRG_785t1, NM_001256849.1 and 1 more transcripts); c.1495-15_1495-14delCGinsGA (NM_002691.3).
Identifiers: ClinVar variation 420183 (VCV000420183.12), dbSNP rs1064794332, ClinGen allele CA16620891.